The following is an entry in ClinVar:

NM_005592.4(MUSK):c.920+1G>A

Gene: MUSK (muscle associated receptor tyrosine kinase; plus strand). Cytogenetic location: 9q31.3.
Variant type: single nucleotide variant.
Coding change: c.920+1G>A on transcript NM_005592.4 (MANE Select); the canonical splice donor site of the intron after coding-DNA position 920, G replaced by A.
Molecular consequence: splice donor variant.
Genome position (GRCh38, 1-based): chr9:110,762,209, G>A. VCF-style: chr9-110762209-G-A. GRCh37 (hg19) VCF-style: chr9-113524489-G-A.
Other names: c.950+1G>A (NM_001166280.2); c.920+1G>A (NM_001166281.2); c.-317+1G>A (NM_001369398.1).
Identifiers: ClinVar variation 2413410 (VCV002413410.9), dbSNP rs1220602405, ClinGen allele CA374466990.

ClinVar aggregate classification (germline): Likely pathogenic (1 of 4 stars; one submission).

Conditions:
Fetal akinesia deformation sequence 1 (FADS1). Also called: Pena-Shokeir syndrome type I; Fetal akinesia sequence. Identifiers: Orphanet 994, MedGen C1276035, MONDO:0100101, OMIM 208150, HP:0001989.
Congenital myasthenic syndrome 9. Also called: Myasthenic syndrome, congenital, 9, associated with acetylcholine receptor deficiency. Identifiers: Orphanet 590, MedGen C4225368, MONDO:0014587, OMIM 616325.

Allele frequency attached by ClinVar (database versions not stated): gnomAD 0.00002; TOPMed 0.00002.

Submission:

Labcorp Genetics (formerly Invitae), Labcorp
Classification: Likely pathogenic for Congenital myasthenic syndrome 9; Fetal akinesia deformation sequence 1. Last evaluated: 2023-11-02. Review status: criteria provided, single submitter. Criteria: Invitae Variant Classification Sherloc (09022015). Collection method: clinical testing. Allele origin: germline.
Comment: This sequence change affects a donor splice site in intron 8 of the MUSK gene. It is expected to disrupt RNA splicing. Variants that disrupt the donor or acceptor splice site typically lead to a loss of protein function (PMID: 16199547), and loss-of-function variants in MUSK are known to be pathogenic (PMID: 8653786, 25612909, 25695962, 25900532). This variant is not present in population databases (gnomAD no frequency). This variant has not been reported in the literature in individuals affected with MUSK-related conditions. ClinVar contains an entry for this variant (Variation ID: 2413410). Algorithms developed to predict the effect of sequence changes on RNA splicing suggest that this variant may disrupt the consensus splice site. In summary, the currently available evidence indicates that the variant is pathogenic, but additional data are needed to prove that conclusively. Therefore, this variant has been classified as Likely Pathogenic.

Literature cited by the submitters: PubMed 16199547; PubMed 8653786; PubMed 25612909; PubMed 25695962; PubMed 25900532.